The following is an entry in ClinVar:

NM_001042492.3(NF1):c.59A>C (p.Gln20Pro)

Genes: MIR4733HG (MIR4733 host gene; minus strand), NF1 (neurofibromin 1; plus strand), LOC111811965 (NF1 (neurofibromin 1) promoter region; plus strand). Cytogenetic location: 17q11.2.
Variant type: single nucleotide variant.
Coding change: c.59A>C on transcript NM_001042492.3 (MANE Select); coding-DNA position 59, A replaced by C.
Protein change: p.Gln20Pro; replaces glutamine 20 with proline.
Molecular consequence: missense variant. On other transcripts: non-coding transcript variant (1).
Genome position (GRCh38, 1-based): chr17:31,095,368, A>C. VCF-style: chr17-31095368-A-C. GRCh37 (hg19) VCF-style: chr17-29422386-A-C.
Other names: c.59A>C, p.Gln20Pro (NM_000267.4, NM_001128147.3); short protein forms Q20P.
Identifiers: ClinVar variation 650986 (VCV000650986.13), dbSNP rs1598173901, ClinGen allele CA398979435.
Genomic context (GRCh38, chr17:31,095,368, plus strand): 5'-ACATGGCCGCGCACAGGCCGGTGGAATGGGTCCAGGCCGTGGTCAGCCGCTTCGACGAGC[A>C]GGTAACCGGCCCGTGGCGGGCGGGAGGTGGGAGCGGAGTGGGGGTGGGGACAGAGTAGGT-3'
Protein context (NP_001035957.1, residues 10-30): VQAVVSRFDE[Gln20Pro]LPIKTGQQNT

ClinVar aggregate classification (germline): Conflicting classifications of pathogenicity. Review status: criteria provided, conflicting classifications (1 of 4 stars). 5 submissions from 5 submitters: Pathogenic (2); Uncertain significance (3). Last evaluated 2025-03-07.

Conditions:
Neurofibromatosis, type 1 (NF1). Also called: Neurofibromatosis, type I; NEUROFIBROMATOSIS, TYPE I, SOMATIC; Peripheral type neurofibromatosis; VON RECKLINGHAUSEN DISEASE. Identifiers: Orphanet 636, MedGen C0027831, MONDO:0018975, OMIM 162200. Disease mechanism: loss of function.

Submissions (5):

GeneDx
Classification: Pathogenic. Last evaluated: 2025-03-07. Review status: criteria provided, single submitter. Criteria: GeneDx Variant Classification Process June 2021. Collection method: clinical testing. Allele origin: germline. Affected: yes.
Comment: Not observed in large population cohorts (gnomAD); In silico analysis supports that this missense variant has a deleterious effect on protein structure/function; This variant is associated with the following publications: (PMID: 21354044, 31370276, 34906502, 37257636)

Labcorp Genetics (formerly Invitae), Labcorp
Classification: Pathogenic for Neurofibromatosis, type 1. Last evaluated: 2024-01-08. Review status: criteria provided, single submitter. Criteria: Invitae Variant Classification Sherloc (09022015). Collection method: clinical testing. Allele origin: germline.
Comment: This sequence change replaces glutamine, which is neutral and polar, with proline, which is neutral and non-polar, at codon 20 of the NF1 protein (p.Gln20Pro). RNA analysis indicates that this missense change induces altered splicing and is likely to result in the loss of the initiator methionine. This variant is not present in population databases (gnomAD no frequency). This missense change has been observed in individual(s) with clinical features of neurofibromatosis type 1 (PMID: 31370276, 34906502; Invitae). In at least one individual the variant was observed to be de novo. ClinVar contains an entry for this variant (Variation ID: 650986). An algorithm developed to predict the effect of missense changes on protein structure and function (PolyPhen-2) suggests that this variant is likely to be tolerated. Studies have shown that this missense change results in skipping of exon 1, and is expected to result in the loss of the initiator methionine (PMID: 34906502). For these reasons, this variant has been classified as Pathogenic.

Genome-Nilou Lab
Classification: Uncertain significance for Neurofibromatosis, type 1. Last evaluated: 2022-03-15. Review status: criteria provided, single submitter. Criteria: ACMG Guidelines, 2015. Collection method: clinical testing. Allele origin: germline. Affected: no.

Blueprint Genetics
Classification: Uncertain significance. Last evaluated: 2019-04-01. Review status: criteria provided, single submitter. Criteria: ACMG Guidelines, 2015. Collection method: clinical testing. Allele origin: germline.

Kids Neuroscience Centre, Sydney Children's Hospitals Network
Classification: Uncertain significance for Neurofibromatosis, type 1. Review status: criteria provided, single submitter. Criteria: Bournazos AM et al. (Genet Med 2021). Collection method: clinical testing. Allele origin: unknown. Inheritance: Autosomal dominant inheritance. Affected: yes. Observed: 1 heterozygote.
Comment: Unable to detect the c.59A>C variant in transcripts containing exon 1. We infer from our RT-PCRs that the c.59A>C variant allele does not produce transcripts with exon 1. Instead, RT-PCR results indicate that transcription is initiated between exon 1 and exon 2. There are numerous potential methionine ATG start codons between within intron 1 and exon 2, both in-frame and outof-frame. Use of an in-frame start methionine will truncate the encoded NF1 protein, removing at least 20 amino acids from the N-terminus of NF1. Other possible outcomes involve translation initiation from out-of-frame ATG initiation codons, which will result in nonsense code that likely would include a premature termination codon (PTC) and will be subject to degradation by NMD, or would code a protein that is not NF1. It is not possible to predict reliably which initiation ATG codon(s) will be used by the ribosome. Loss of function variants are an established causal basis for NF1 associated neurofibromatosis type I. Variants that ablate the 5’-splice site of NF1 intron 1 have previously been reported likely pathogenic (c.60+1G>C RCV000821031.1; c.60+1G>T RCV000632399.2) or reported to disrupt splicing (c.60+1del PMID:24789688). Collective evidence from RTPCR are consistent with NF1 c.59A>C as a likely causal variant.

Literature cited by the submitters: PubMed 31370276 (cited by Labcorp Genetics (formerly Invitae), Labcorp); PubMed 34906502 (cited by Labcorp Genetics (formerly Invitae), Labcorp).